The following is an entry in ClinVar:

ClinVar aggregate classification (germline): Likely benign (1 of 4 stars; one submission).

Allele frequency attached by ClinVar (database versions not stated): gnomAD exomes 0.00016; ESP Exome Variant Server 0.00028; ExAC 0.00003.
gnomAD v4.1: 201 of 1,207,338 alleles (0.017%); highest among the groups gnomAD compares: Non-Finnish European, 0.02%; 1 homozygote.

Submission:

CeGaT Center for Human Genetics Tuebingen
Classification: Likely benign. Last evaluated: 2022-07-01. Review status: criteria provided, single submitter. Criteria: CeGaT Center For Human Genetics Tuebingen Variant Classification Criteria Version 2. Collection method: clinical testing. Allele origin: germline. Affected: yes. Observed: 1 variant allele.
Comment: IRS4: BP4, BP7

NM_001379150.1(IRS4):c.810C>T (p.Thr270=)

Gene: IRS4 (insulin receptor substrate 4; minus strand). Cytogenetic location: Xq22.3.
Variant type: single nucleotide variant.
Coding change: c.810C>T on transcript NM_001379150.1 (MANE Select); coding-DNA position 810, C replaced by T.
Protein change: p.Thr270=; no amino-acid change (threonine 270 retained).
Molecular consequence: synonymous variant.
Genome position (GRCh38, 1-based): chrX:108,735,535, G>A on the plus strand (C>T on the coding strand, the complement: IRS4 is on the minus strand). VCF-style: chrX-108735535-G-A. GRCh37 (hg19) VCF-style: chrX-107978765-G-A.
Other names: c.810C>T, p.Thr270= (NM_003604.2).
Identifiers: ClinVar variation 2661175 (VCV002661175.24), dbSNP rs370954750, ClinGen allele CA10489861.